The following is an entry in ClinVar:

ClinVar aggregate classification (germline): Benign/Likely benign. Review status: criteria provided, multiple submitters, no conflicts (2 of 4 stars). 3 submissions from 3 submitters: Benign (2); Likely benign (1). Last evaluated 2025-12-24.

Conditions:
TRIOBP-related disorder. Also called: TRIOBP-related condition.

Allele frequency attached by ClinVar (database versions not stated): gnomAD 0.00001 and 0.00028; TOPMed 0.00006; gnomAD exomes 0.00208; 1000 Genomes Project 30x 0.00234; 1000 Genomes Project 0.00280; ExAC 0.01946.
gnomAD v4.1: 406 of 1,255,628 alleles (0.032%); highest among the groups gnomAD compares: South Asian, 0.81%; 5 homozygotes.

Submissions (3):

PreventionGenetics, part of Exact Sciences
Classification: Benign for TRIOBP-related condition. Last evaluated: 2025-12-24. Review status: criteria provided, single submitter. Criteria: ACMG Guidelines, 2015. Collection method: clinical testing. Allele origin: germline.
Comment: This variant is classified as benign based on ACMG/AMP sequence variant interpretation guidelines (Richards et al. 2015 PMID: 25741868, with internal and published modifications).

Blueprint Genetics
Classification: Benign. Last evaluated: 2024-11-18. Review status: criteria provided, single submitter. Criteria: ACMG Guidelines, 2015. Collection method: clinical testing. Allele origin: germline.

GeneDx
Classification: Likely benign. Last evaluated: 2020-10-18. Review status: criteria provided, single submitter. Criteria: GeneDx Variant Classification Process June 2021. Collection method: clinical testing. Allele origin: germline. Affected: yes.

NM_001039141.3(TRIOBP):c.5322+5329C>T

Gene: TRIOBP (TRIO and F-actin binding protein; plus strand). Cytogenetic location: 22q13.1.
Variant type: single nucleotide variant.
Coding change: c.5322+5329C>T on transcript NM_001039141.3 (MANE Select); 5329 bases into the intron after coding-DNA position 5322, C replaced by T.
Molecular consequence: intron variant. On other transcripts: nonsense (2).
Genome position (GRCh38, 1-based): chr22:37,746,361, C>T. VCF-style: chr22-37746361-C-T. GRCh37 (hg19) VCF-style: chr22-38142368-C-T.
Other names: c.124C>T, p.Arg42Ter (NM_007032.5, NM_138632.2); short protein forms R42*.
Identifiers: ClinVar variation 1186927 (VCV001186927.4), dbSNP rs544219597, ClinGen allele CA10224602.